The following is an entry in ClinVar:

NM_000059.4(BRCA2):c.3935dup (p.Asn1312fs)

Gene: BRCA2 (BRCA2 DNA repair associated; plus strand). Cytogenetic location: 13q13.1.
Variant type: Duplication.
Coding change: c.3935dup on transcript NM_000059.4 (MANE Select); coding-DNA position 3935, one base duplicated (A; older notation c.3935dupA).
Protein change: p.Asn1312fs; shifts the reading frame from asparagine 1312.
Molecular consequence: frameshift variant.
Genome position (GRCh38, 1-based): chr13:32,338,290, A duplicated; the last of 4 consecutive A bases (chr13:32,338,287-32,338,290); duplicating any one gives the same sequence. VCF-style (leftmost placement, unchanged base first): chr13-32338286-G-GA. GRCh37 (hg19) VCF-style: chr13-32912423-G-GA.
Other names: c.3935dupA (NM_000059.3); short protein forms N1312fs.
Identifiers: ClinVar variation 632690 (VCV000632690.1), dbSNP rs1566229411, ClinGen allele CA913190943.

ClinVar aggregate classification (germline): Likely pathogenic (1 of 4 stars; one submission).

Conditions:
Hereditary breast ovarian cancer syndrome. Also called: Hereditary breast and ovarian cancer; Hereditary breast and ovarian cancer syndrome (HBOC); Breast and ovarian cancer; Hereditary breast and ovarian cancer syndrome; BRCA1- and BRCA2-Associated Hereditary Breast and Ovarian Cancer; Hereditary breast and/or ovarian cancer syndrome. Identifiers: Orphanet 145, MedGen C0677776, MeSH D061325, MONDO:0003582. Disease mechanism: loss of function.

Submission:

Women's Health and Genetics/Laboratory Corporation of America, LabCorp
Classification: Likely pathogenic for Hereditary breast and ovarian cancer syndrome. Last evaluated: 2018-02-19. Review status: criteria provided, single submitter. Criteria: LabCorp Variant Classification Summary - May 2015. Collection method: clinical testing. Allele origin: germline.
Comment: Variant summary: BRCA2 c.3935dupA (p.Asn1312LysfsX7) results in a frameshift and then a premature termination codon, predicted to cause a truncation of the encoded protein or absence of the protein due to nonsense mediated decay, which are commonly known mechanisms for disease. Truncations downstream of this position have been classified as pathogenic by our laboratory (e.g. c.3967A>T (p.Lys1323X), c.3975_3978dupTGCT (p.Ala1327fsX4), c.4003G>T (p.Glu1335X)). The variant was absent in 87946 control chromosomes (in ExAC). To our knowledge, no occurrence of c.3935dupA in individuals affected with Hereditary Breast and Ovarian Cancer and no experimental evidence demonstrating its impact on protein function have been reported. No clinical diagnostic laboratories have submitted clinical-significance assessments for this variant to ClinVar after 2014. Based on the evidence outlined above, the variant was classified as likely pathogenic.